The following is an entry in ClinVar:

ClinVar aggregate classification (germline): Likely benign. Review status: criteria provided, multiple submitters, no conflicts (2 of 4 stars). 2 submissions from 2 submitters: Likely benign (2). Last evaluated 2025-09-23.

Conditions:
Spastic paraplegia. Identifiers: MedGen C0037772, HP:0001258.

Allele frequency attached by ClinVar (database versions not stated): gnomAD exomes below 0.00001 and 0.00002; TOPMed 0.00001; ExAC 0.00002; gnomAD 0.00002.
gnomAD v4.1: 7 of 1,210,875 alleles (0.00058%); highest among the groups gnomAD compares: Admixed American, 0.013%; no homozygotes.

Submissions (2):

Athena Diagnostics
Classification: Likely benign. Last evaluated: 2025-09-23. Review status: criteria provided, single submitter. Criteria: Athena Diagnostics Criteria. Collection method: clinical testing. Allele origin: unknown.
Comment: The frequency of this variant in the general population is higher than would generally be expected for pathogenic variants in this gene. Computational tools yielded predictions that this variant is unlikely to have an effect on normal RNA splicing. This nucleotide position exhibits low evolutionary conservation.

Labcorp Genetics (formerly Invitae), Labcorp
Classification: Likely benign for Spastic paraplegia. Last evaluated: 2024-02-21. Review status: criteria provided, single submitter. Criteria: Invitae Variant Classification Sherloc (09022015). Collection method: clinical testing. Allele origin: germline.

NM_001278116.2(L1CAM):c.870C>T (p.Tyr290=)

Gene: L1CAM (L1 cell adhesion molecule; minus strand). Cytogenetic location: Xq28.
Variant type: single nucleotide variant.
Coding change: c.870C>T on transcript NM_001278116.2 (MANE Select); coding-DNA position 870, C replaced by T.
Protein change: p.Tyr290=; no amino-acid change (tyrosine 290 retained).
Molecular consequence: synonymous variant.
Genome position (GRCh38, 1-based): chrX:153,870,177, G>A on the plus strand (C>T on the coding strand, the complement: L1CAM is on the minus strand). VCF-style: chrX-153870177-G-A. GRCh37 (hg19) VCF-style: chrX-153135632-G-A.
Other names: c.870C>T, p.Tyr290= (NM_000425.5, NM_024003.3); c.855C>T, p.Tyr285= (NM_001143963.2); c.870C>T (NM_000425.3).
Identifiers: ClinVar variation 704927 (VCV000704927.7), dbSNP rs782720258, ClinGen allele CA10554474.